The following is an entry in ClinVar:

ClinVar aggregate classification (germline): Uncertain significance (1 of 4 stars; one submission).

Conditions:
Fanconi anemia complementation group O. Also called: RAD51C-Related Fanconi Anemia. Identifiers: Orphanet 84, MedGen C3150653, MONDO:0013248, OMIM 613390.

Submission:

Labcorp Genetics (formerly Invitae), Labcorp
Classification: Uncertain significance for Fanconi anemia complementation group O. Last evaluated: 2023-03-16. Review status: criteria provided, single submitter. Criteria: Invitae Variant Classification Sherloc (09022015). Collection method: clinical testing. Allele origin: germline.
Comment: In summary, the available evidence is currently insufficient to determine the role of this variant in disease. Therefore, it has been classified as a Variant of Uncertain Significance. Advanced modeling of protein sequence and biophysical properties (such as structural, functional, and spatial information, amino acid conservation, physicochemical variation, residue mobility, and thermodynamic stability) performed at Invitae indicates that this missense variant is not expected to disrupt RAD51C protein function. This variant has not been reported in the literature in individuals affected with RAD51C-related conditions. This variant is not present in population databases (gnomAD no frequency). This sequence change replaces lysine, which is basic and polar, with glutamic acid, which is acidic and polar, at codon 48 of the RAD51C protein (p.Lys48Glu).

NM_058216.3(RAD51C):c.142A>G (p.Lys48Glu)

Gene: RAD51C (RAD51 paralog C; plus strand). Cytogenetic location: 17q22.
Variant type: single nucleotide variant.
Coding change: c.142A>G on transcript NM_058216.3 (MANE Select); coding-DNA position 142, A replaced by G.
Protein change: p.Lys48Glu; replaces lysine 48 with glutamic acid.
Molecular consequence: missense variant. On other transcripts: non-coding transcript variant (1).
Genome position (GRCh38, 1-based): chr17:58,692,785, A>G. VCF-style: chr17-58692785-A-G. GRCh37 (hg19) VCF-style: chr17-56770146-A-G.
Other names: c.142A>G, p.Lys48Glu (NM_002876.4, NM_058217.1); short protein forms K48E.
Identifiers: ClinVar variation 2846130 (VCV002846130.3), dbSNP rs2143680925, ClinGen allele CA400337865.